The following is an entry in ClinVar:

ClinVar aggregate classification (germline): Uncertain significance. Review status: criteria provided, multiple submitters, no conflicts (2 of 4 stars). 4 submissions from 4 submitters: Uncertain significance (4). Last evaluated 2024-10-08.

Conditions:
Cardiovascular phenotype. Identifiers: MedGen CN230736.
RASopathy. Also called: Noonan spectrum disorder; rasopathies. Identifiers: Orphanet 536391, MedGen C5555857, MONDO:0021060.

Allele frequency attached by ClinVar (database versions not stated): TOPMed 0.00001.
gnomAD v4.1: 1 of 1,613,300 alleles (0.000062%); highest among the groups gnomAD compares: Non-Finnish European, 0.000085%; no homozygotes.

Submissions (4):

GeneDx
Classification: Uncertain significance. Last evaluated: 2024-10-08. Review status: criteria provided, single submitter. Criteria: GeneDx Variant Classification Process June 2021. Collection method: clinical testing. Allele origin: germline. Affected: yes.
Comment: Not observed at significant frequency in large population cohorts (gnomAD); Missense variants in this gene are a common cause of disease and they are underrepresented in the general population; In silico analysis indicates that this missense variant does not alter protein structure/function; Has not been previously published as pathogenic or benign to our knowledge; This variant is associated with the following publications: (PMID: 20648242, 29493581, 17143282, 21387466, 12628188)

Labcorp Genetics (formerly Invitae), Labcorp
Classification: Uncertain significance for RASopathy. Last evaluated: 2024-05-06. Review status: criteria provided, single submitter. Criteria: Invitae Variant Classification Sherloc (09022015). Collection method: clinical testing. Allele origin: germline.
Comment: This sequence change replaces valine, which is neutral and non-polar, with leucine, which is neutral and non-polar, at codon 499 of the SOS1 protein (p.Val499Leu). This variant is not present in population databases (gnomAD no frequency). This variant has not been reported in the literature in individuals affected with SOS1-related conditions. ClinVar contains an entry for this variant (Variation ID: 943944). Advanced modeling of protein sequence and biophysical properties (such as structural, functional, and spatial information, amino acid conservation, physicochemical variation, residue mobility, and thermodynamic stability) has been performed at Invitae for this missense variant, however the output from this modeling did not meet the statistical confidence thresholds required to predict the impact of this variant on SOS1 protein function. In summary, the available evidence is currently insufficient to determine the role of this variant in disease. Therefore, it has been classified as a Variant of Uncertain Significance.

Ambry Genetics
Classification: Uncertain significance for Cardiovascular phenotype. Last evaluated: 2023-01-01. Review status: criteria provided, single submitter. Criteria: Ambry Variant Classification Scheme 2023. Collection method: clinical testing. Allele origin: germline.
Comment: The p.V499L variant (also known as c.1495G>T), located in coding exon 10 of the SOS1 gene, results from a G to T substitution at nucleotide position 1495. The valine at codon 499 is replaced by leucine, an amino acid with highly similar properties. This amino acid position is conserved. In addition, this alteration is predicted to be tolerated by in silico analysis. Since supporting evidence is limited at this time, the clinical significance of this alteration remains unclear.

Blueprint Genetics
Classification: Uncertain significance. Last evaluated: 2018-05-11. Review status: criteria provided, single submitter. Criteria: ACMG Guidelines, 2015. Collection method: clinical testing. Allele origin: germline.

NM_005633.4(SOS1):c.1495G>T (p.Val499Leu)

Gene: SOS1 (SOS Ras/Rac guanine nucleotide exchange factor 1; minus strand). Cytogenetic location: 2p22.1.
Variant type: single nucleotide variant.
Coding change: c.1495G>T on transcript NM_005633.4 (MANE Select); coding-DNA position 1495, G replaced by T.
Protein change: p.Val499Leu; replaces valine 499 with leucine.
Molecular consequence: missense variant.
Genome position (GRCh38, 1-based): chr2:39,022,933, C>A on the plus strand (G>T on the coding strand, the complement: SOS1 is on the minus strand). VCF-style: chr2-39022933-C-A. GRCh37 (hg19) VCF-style: chr2-39250074-C-A.
Other names: c.1474G>T, p.Val492Leu (NM_001382394.1); c.1495G>T, p.Val499Leu (NM_001382395.1); short protein forms V499L, V492L.
Identifiers: ClinVar variation 943944 (VCV000943944.13), dbSNP rs1315811250, ClinGen allele CA346366043.